The following is an entry in ClinVar:

ClinVar aggregate classification (germline): Uncertain significance (1 of 4 stars; one submission).

gnomAD v4.1: 1 of 1,613,602 alleles (0.000062%); highest among the groups gnomAD compares: Non-Finnish European, 0.000085%; no homozygotes.

Submission:

Labcorp Genetics (formerly Invitae), Labcorp
Classification: Uncertain significance. Last evaluated: 2025-12-05. Review status: criteria provided, single submitter. Criteria: Invitae Variant Classification Sherloc (09022015). Collection method: clinical testing. Allele origin: germline.
Comment: This sequence change replaces serine, which is neutral and polar, with cysteine, which is neutral and slightly polar, at codon 33 of the SPPL2A protein (p.Ser33Cys). This variant is not present in population databases (gnomAD no frequency). This variant has not been reported in the literature in individuals affected with SPPL2A-related conditions. An algorithm developed to predict the effect of missense changes on protein structure and function (PolyPhen-2) suggests that this variant is likely to be disruptive. In summary, the available evidence is currently insufficient to determine the role of this variant in disease. Therefore, it has been classified as a Variant of Uncertain Significance.

NM_032802.4(SPPL2A):c.98C>G (p.Ser33Cys)

Gene: SPPL2A (signal peptide peptidase like 2A; minus strand). Cytogenetic location: 15q21.2.
Variant type: single nucleotide variant.
Coding change: c.98C>G on transcript NM_032802.4 (MANE Select); coding-DNA position 98, C replaced by G.
Protein change: p.Ser33Cys; replaces serine 33 with cysteine.
Molecular consequence: missense variant.
Genome position (GRCh38, 1-based): chr15:50,749,715, G>C on the plus strand (C>G on the coding strand, the complement: SPPL2A is on the minus strand). VCF-style: chr15-50749715-G-C. GRCh37 (hg19) VCF-style: chr15-51041912-G-C.
Other names: c.98C>G, p.Ser33Cys (NM_001438111.1, NM_001438112.1); short protein forms S33C.
Identifiers: ClinVar variation 4799590 (VCV004799590.1).